The following is an entry in ClinVar:

NM_005896.4(IDH1):c.1139T>G (p.Ile380Ser)

Gene: IDH1 (isocitrate dehydrogenase (NADP(+)) 1; minus strand). Cytogenetic location: 2q34.
Variant type: single nucleotide variant.
Coding change: c.1139T>G on transcript NM_005896.4 (MANE Select); coding-DNA position 1139, T replaced by G.
Protein change: p.Ile380Ser; replaces isoleucine 380 with serine.
Molecular consequence: missense variant.
Genome position (GRCh38, 1-based): chr2:208,239,086, A>C on the plus strand (T>G on the coding strand, the complement: IDH1 is on the minus strand). VCF-style: chr2-208239086-A-C. GRCh37 (hg19) VCF-style: chr2-209103810-A-C.
Other names: c.1139T>G, p.Ile380Ser (NM_001282386.1, NM_001282387.1); short protein forms I380S.
Identifiers: ClinVar variation 3225124 (VCV003225124.1), dbSNP rs2124847133, ClinGen allele CA350094053.

ClinVar aggregate classification (germline): Uncertain significance (1 of 4 stars; one submission).

Submission:

Ambry Genetics
Classification: Uncertain significance. Last evaluated: 2023-12-10. Review status: criteria provided, single submitter. Criteria: Ambry Variant Classification Scheme 2023. Collection method: clinical testing. Allele origin: germline.
Comment: The p.I380S variant (also known as c.1139T>G), located in coding exon 7 of the IDH1 gene, results from a T to G substitution at nucleotide position 1139. The isoleucine at codon 380 is replaced by serine, an amino acid with dissimilar properties. This amino acid position is conserved. In addition, this alteration is predicted to be deleterious by in silico analysis. Since supporting evidence is limited at this time, the clinical significance of this alteration remains unclear.